The following is an entry in ClinVar:

NM_016156.6(MTMR2):c.993+1G>A

Gene: MTMR2 (myotubularin related protein 2; minus strand). Cytogenetic location: 11q21.
Variant type: single nucleotide variant.
Coding change: c.993+1G>A on transcript NM_016156.6 (MANE Select); the canonical splice donor site of the intron after coding-DNA position 993, G replaced by A.
Molecular consequence: splice donor variant.
Genome position (GRCh38, 1-based): chr11:95,849,673, C>T on the plus strand (G>A on the coding strand, the complement: MTMR2 is on the minus strand). VCF-style: chr11-95849673-C-T. GRCh37 (hg19) VCF-style: chr11-95582837-C-T.
Other names: c.777+1G>A (NM_201281.3, NM_201278.3, NM_001243571.2).
Identifiers: ClinVar variation 543416 (VCV000543416.7), dbSNP rs1555060614, ClinGen allele CA382425108.

ClinVar aggregate classification (germline): Likely pathogenic (1 of 4 stars; one submission).

Conditions:
Charcot-Marie-Tooth disease type 4. Also called: Charcot-Marie-Tooth, Type 4; Charcot-Marie-Tooth disease, type IV. Identifiers: Orphanet 64749, MedGen C4082197, MONDO:0018995.

Submission:

Labcorp Genetics (formerly Invitae), Labcorp
Classification: Likely pathogenic for Charcot-Marie-Tooth disease type 4. Last evaluated: 2017-12-08. Review status: criteria provided, single submitter. Criteria: Invitae Variant Classification Sherloc (09022015). Collection method: clinical testing. Allele origin: germline.
Comment: In summary, the currently available evidence indicates that the variant is pathogenic, but additional data are needed to prove that conclusively. Therefore, this variant has been classified as Likely Pathogenic. Donor and acceptor splice site variants typically lead to a loss of protein function (PMID: 16199547), and loss-of-function variants in MTMR2 are known to be pathogenic (PMID: 10802647). Algorithms developed to predict the effect of sequence changes on RNA splicing suggest that this variant may disrupt the consensus splice site, but this prediction has not been confirmed by published transcriptional studies. This variant has not been reported in the literature in individuals with MTMR2-related disease. This variant is not present in population databases (ExAC no frequency). This sequence change affects a donor splice site in intron 9 of the MTMR2 gene. It is expected to disrupt RNA splicing and likely results in an absent or disrupted protein product.

Literature cited by the submitters: PubMed 16199547; PubMed 10802647.